The following is an entry in ClinVar:

NM_001267550.2(TTN):c.105135T>C (p.Asp35045=)

Genes: TTN (titin; minus strand), TTN-AS1 (TTN antisense RNA 1; plus strand), LOC129935185 (ATAC-STARR-seq lymphoblastoid active region 16810; plus strand). Cytogenetic location: 2q31.2.
Variant type: single nucleotide variant.
Coding change: c.105135T>C on transcript NM_001267550.2 (MANE Select); coding-DNA position 105135, T replaced by C.
Protein change: p.Asp35045=; no amino-acid change (aspartic acid 35045 retained).
Molecular consequence: synonymous variant.
Genome position (GRCh38, 1-based): chr2:178,531,480, A>G on the plus strand (T>C on the coding strand, the complement: TTN is on the minus strand). VCF-style: chr2-178531480-A-G. GRCh37 (hg19) VCF-style: chr2-179396207-A-G.
Other names: c.100212T>C, p.Asp33404= (NM_001256850.1); c.77940T>C, p.Asp25980= (NM_003319.4); c.97431T>C, p.Asp32477= (NM_133378.4); c.78315T>C, p.Asp26105= (NM_133432.3); c.78516T>C, p.Asp26172= (NM_133437.4).
Identifiers: ClinVar variation 1622761 (VCV001622761.38), dbSNP rs756434452, ClinGen allele CA1985303.

ClinVar aggregate classification (germline): Likely benign. Review status: criteria provided, multiple submitters, no conflicts (2 of 4 stars). 3 submissions from 3 submitters: Likely benign (3). Last evaluated 2025-12-14.

Conditions:
Cardiovascular phenotype. Identifiers: MedGen CN230736.
Dilated cardiomyopathy 1G (CMD1G). Identifiers: Orphanet 154, MedGen C1858763, MONDO:0011400, OMIM 604145.
Autosomal recessive limb-girdle muscular dystrophy type 2J (LGMDR10). Also called: Limb-girdle muscular dystrophy, type 2J; MUSCULAR DYSTROPHY, LIMB-GIRDLE, AUTOSOMAL RECESSIVE 10. Identifiers: Orphanet 140922, MedGen C1837342, MONDO:0012127, OMIM 608807.

Allele frequency attached by ClinVar (database versions not stated): gnomAD exomes 0.00001; ExAC 0.00002; TOPMed 0.00002; gnomAD 0.00004.
gnomAD v4.1: 14 of 1,613,794 alleles (0.00087%); highest among the groups gnomAD compares: Non-Finnish European, 0.0011%; no homozygotes.

Submissions (3):

Labcorp Genetics (formerly Invitae), Labcorp
Classification: Likely benign for Dilated cardiomyopathy 1G; Autosomal recessive limb-girdle muscular dystrophy type 2J. Last evaluated: 2025-12-14. Review status: criteria provided, single submitter. Criteria: Invitae Variant Classification Sherloc (09022015). Collection method: clinical testing. Allele origin: germline.

CeGaT Center for Human Genetics Tuebingen
Classification: Likely benign. Last evaluated: 2022-10-01. Review status: criteria provided, single submitter. Criteria: CeGaT Center For Human Genetics Tuebingen Variant Classification Criteria Version 2. Collection method: clinical testing. Allele origin: germline. Affected: yes. Observed: 1 variant allele.
Comment: TTN: BP4, BP7

Ambry Genetics
Classification: Likely benign for Cardiovascular phenotype. Last evaluated: 2020-06-09. Review status: criteria provided, single submitter. Criteria: Ambry Variant Classification Scheme 2023. Collection method: clinical testing. Allele origin: germline.